The following is an entry in ClinVar:

NM_001130438.3(SPTAN1):c.5836A>T (p.Asn1946Tyr)

Gene: SPTAN1 (spectrin alpha, non-erythrocytic 1; plus strand). Cytogenetic location: 9q34.11.
Variant type: single nucleotide variant.
Coding change: c.5836A>T on transcript NM_001130438.3 (MANE Select); coding-DNA position 5836, A replaced by T.
Protein change: p.Asn1946Tyr; replaces asparagine 1946 with tyrosine.
Molecular consequence: missense variant.
Genome position (GRCh38, 1-based): chr9:128,624,331, A>T. VCF-style: chr9-128624331-A-T. GRCh37 (hg19) VCF-style: chr9-131386610-A-T.
Other names: c.5761A>T, p.Asn1921Tyr (NM_001195532.2); c.5836A>T, p.Asn1946Tyr (NM_001363759.2, NM_001375310.1, NM_001375311.2 and 1 more transcripts); c.5776A>T, p.Asn1926Tyr (NM_001363765.2, NM_001375314.2); c.5872A>T, p.Asn1958Tyr (NM_001375312.2, NM_001375318.1); c.5821A>T, p.Asn1941Tyr (NM_003127.4); short protein forms N1921Y, N1926Y, N1941Y, N1946Y, N1958Y.
Identifiers: ClinVar variation 1003514 (VCV001003514.9), dbSNP rs1858409467, ClinGen allele CA375081654.

ClinVar aggregate classification (germline): Uncertain significance (1 of 4 stars; one submission).

Conditions:
Early-infantile DEE. Also called: Early infantile epileptic encephalopathy with suppression bursts; Ohtahara syndrome; Early infantile epileptic encephalopathy. Identifiers: Orphanet 1934, MedGen C0393706, MONDO:0800491.

Submission:

Labcorp Genetics (formerly Invitae), Labcorp
Classification: Uncertain significance for Early-infantile DEE. Last evaluated: 2020-07-09. Review status: criteria provided, single submitter. Criteria: Invitae Variant Classification Sherloc (09022015). Collection method: clinical testing. Allele origin: germline.
Comment: This variant has not been reported in the literature in individuals with SPTAN1-related conditions. This variant is not present in population databases (ExAC no frequency). This sequence change replaces asparagine with tyrosine at codon 1946 of the SPTAN1 protein (p.Asn1946Tyr). The asparagine residue is highly conserved and there is a large physicochemical difference between asparagine and tyrosine. Algorithms developed to predict the effect of missense changes on protein structure and function (SIFT, PolyPhen-2, Align-GVGD) all suggest that this variant is likely to be disruptive, but these predictions have not been confirmed by published functional studies and their clinical significance is uncertain. In summary, the available evidence is currently insufficient to determine the role of this variant in disease. Therefore, it has been classified as a Variant of Uncertain Significance.